The following is an entry in ClinVar:

NM_001365536.1(SCN9A):c.5948G>T (p.Ser1983Ile)

Genes: SCN9A (sodium voltage-gated channel alpha subunit 9; minus strand), SCN1A-AS1 (SCN1A and SCN9A antisense RNA 1; plus strand). Cytogenetic location: 2q24.3.
Variant type: single nucleotide variant.
Coding change: c.5948G>T on transcript NM_001365536.1 (MANE Select); coding-DNA position 5948, G replaced by T.
Protein change: p.Ser1983Ile; replaces serine 1983 with isoleucine.
Molecular consequence: missense variant.
Genome position (GRCh38, 1-based): chr2:166,198,691, C>A on the plus strand (G>T on the coding strand, the complement: SCN9A is on the minus strand). VCF-style: chr2-166198691-C-A. GRCh37 (hg19) VCF-style: chr2-167055201-C-A.
Other names: c.5915G>T, p.Ser1972Ile (NM_002977.4); short protein forms S1972I, S1983I.
Identifiers: ClinVar variation 538464 (VCV000538464.13), dbSNP rs770802841, ClinGen allele CA1943594.

ClinVar aggregate classification (germline): Uncertain significance. Review status: criteria provided, multiple submitters, no conflicts (2 of 4 stars). 3 submissions from 3 submitters: Uncertain significance (3). Last evaluated 2025-12-16.

Conditions:
Primary erythromelalgia. Also called: SCN9A Erythromelalgia (SCN9A-EM); primary erythermalgia. Identifiers: Orphanet 306577, Orphanet 90026, MedGen C0014805, MONDO:0007571, OMIM 133020.
Neuropathy, hereditary sensory and autonomic, type 2A (HSAN2A). Also called: HSAN IIA; MORVAN DISEASE; NEUROPATHY, CONGENITAL SENSORY; NEUROPATHY, HEREDITARY SENSORY RADICULAR, AUTOSOMAL RECESSIVE; NEUROPATHY, HEREDITARY SENSORY, TYPE IIA; NEUROPATHY, PROGRESSIVE SENSORY, OF CHILDREN. Identifiers: Orphanet 970, MedGen C2752089, MONDO:0024309, OMIM 201300.
Paroxysmal extreme pain disorder (PEXPD). Also called: PAIN, SUBMANDIBULAR, OCULAR, AND RECTAL, WITH FLUSHING; RECTAL PAIN, FAMILIAL; SCN9A Paroxysmal Extreme Pain Disorder (SCN9A-PEPD). Identifiers: Orphanet 46348, MedGen C1833661, MONDO:0008179, OMIM 167400.
Severe myoclonic epilepsy in infancy (DRVT). Also called: Dravet syndrome; Epileptic encephalopathy, early infantile, 6 (Dravet syndrome); SEVERE MYOCLONIC EPILEPSY OF INFANCY; DEVELOPMENTAL AND EPILEPTIC ENCEPHALOPATHY 6A; Severe Myoclonic Epilepsy in Infancy (SMEI). Identifiers: Orphanet 33069, MedGen C0751122, MONDO:0100135, OMIM 607208.
Channelopathy-associated congenital insensitivity to pain, autosomal recessive. Also called: Insensitivity to pain, channelopathy-associated; ASYMBOLIA FOR PAIN; CONGENITAL ANALGESIA, AUTOSOMAL RECESSIVE. Identifiers: Orphanet 88642, Orphanet 970, MedGen C1855739, MONDO:0009459, OMIM 243000.
Generalized epilepsy with febrile seizures plus, type 7 (GEFSP7). Also called: GEFS+, TYPE 7. Identifiers: Orphanet 36387, MedGen C2751778, MONDO:0013470, OMIM 613863.

Allele frequency attached by ClinVar (database versions not stated): gnomAD 0.00001; ExAC 0.00002; TOPMed 0.00002.
gnomAD v4.1: 12 of 1,597,556 alleles (0.00075%); highest among the groups gnomAD compares: Admixed American, 0.0088%; no homozygotes.

Submissions (3):

Labcorp Genetics (formerly Invitae), Labcorp
Classification: Uncertain significance for Neuropathy, hereditary sensory and autonomic, type 2A; Generalized epilepsy with febrile seizures plus, type 7. Last evaluated: 2025-12-16. Review status: criteria provided, single submitter. Criteria: Invitae Variant Classification Sherloc (09022015). Collection method: clinical testing. Allele origin: germline.
Comment: This sequence change replaces serine, which is neutral and polar, with isoleucine, which is neutral and non-polar, at codon 1972 of the SCN9A protein (p.Ser1972Ile). This variant is present in population databases (rs770802841, gnomAD 0.01%). This variant has not been reported in the literature in individuals affected with SCN9A-related conditions. ClinVar contains an entry for this variant (Variation ID: 538464). Invitae Evidence Modeling of protein sequence and biophysical properties (such as structural, functional, and spatial information, amino acid conservation, physicochemical variation, residue mobility, and thermodynamic stability) has been performed for this missense variant. However, the output from this modeling did not meet the statistical confidence thresholds required to predict the impact of this variant on SCN9A protein function. In summary, the available evidence is currently insufficient to determine the role of this variant in disease. Therefore, it has been classified as a Variant of Uncertain Significance.

Fulgent Genetics
Classification: Uncertain significance for Primary erythromelalgia; Paroxysmal extreme pain disorder; Neuropathy, hereditary sensory and autonomic, type 2A; Channelopathy-associated congenital insensitivity to pain, autosomal recessive; Severe myoclonic epilepsy in infancy; Generalized epilepsy with febrile seizures plus, type 7. Last evaluated: 2018-10-31. Review status: criteria provided, single submitter. Criteria: ACMG Guidelines, 2015. Collection method: clinical testing. Allele origin: unknown.

Breakthrough Genomics
Classification: Uncertain significance. Review status: criteria provided, single submitter. Criteria: ACMG Guidelines, 2015. Collection method: not provided. Allele origin: germline. Inheritance: Autosomal recessive inheritance. Affected: yes.